The following is an entry in ClinVar:

ClinVar aggregate classification (germline): Uncertain significance (1 of 4 stars; one submission).

Conditions:
Aicardi-Goutieres syndrome 7 (AGS7). Identifiers: Orphanet 51, MedGen C3888244, MONDO:0014367, OMIM 615846.
Singleton-Merten syndrome 1 (SGMRT1). Also called: Widened medullary cavities of bone, aortic calcification, abnormal dentition, and muscular weakness; Syndrome of widened medullary cavities of the metacarpals and phalanges, aortic calcification and abnormal dentition. Identifiers: Orphanet 85191, MedGen C4225427, MONDO:0024535, OMIM 182250.

Submission:

Labcorp Genetics (formerly Invitae), Labcorp
Classification: Uncertain significance for Aicardi-Goutieres syndrome 7; Singleton-Merten syndrome 1. Last evaluated: 2025-07-07. Review status: criteria provided, single submitter. Criteria: Invitae Variant Classification Sherloc (09022015). Collection method: clinical testing. Allele origin: germline.
Comment: This sequence change creates a premature translational stop signal (p.Tyr25*) in the IFIH1 gene. It is expected to result in an absent or disrupted protein product. However, the current clinical and genetic evidence is not sufficient to establish whether loss-of-function variants in IFIH1 cause disease. This variant is not present in population databases (gnomAD no frequency). This variant has not been reported in the literature in individuals affected with IFIH1-related conditions. In summary, the available evidence is currently insufficient to determine the role of this variant in disease. Therefore, it has been classified as a Variant of Uncertain Significance.

NM_022168.4(IFIH1):c.75C>A (p.Tyr25Ter)

Gene: IFIH1 (interferon induced with helicase C domain 1; minus strand). Cytogenetic location: 2q24.2.
Variant type: single nucleotide variant.
Coding change: c.75C>A on transcript NM_022168.4 (MANE Select); coding-DNA position 75, C replaced by A.
Protein change: p.Tyr25Ter; replaces tyrosine 25 with a stop codon.
Molecular consequence: nonsense.
Genome position (GRCh38, 1-based): chr2:162,318,233, G>T on the plus strand (C>A on the coding strand, the complement: IFIH1 is on the minus strand). VCF-style: chr2-162318233-G-T. GRCh37 (hg19) VCF-style: chr2-163174743-G-T.
Other names: short protein forms Y25*.
Identifiers: ClinVar variation 4792374 (VCV004792374.1).